The following is an entry in ClinVar:

ClinVar aggregate classification (germline): Conflicting classifications of pathogenicity. Review status: criteria provided, conflicting classifications (1 of 4 stars). 2 submissions from 2 submitters: Uncertain significance (1); Likely benign (1). Last evaluated 2025-11-17.

Conditions:
Short-rib thoracic dysplasia 11 with or without polydactyly (SRTD11). Also called: SHORT-RIB THORACIC DYSPLASIA 11 WITHOUT POLYDACTYLY. Identifiers: Orphanet 474, Orphanet 93271, MedGen C3810200, MONDO:0014287, OMIM 615633.

Submissions (2):

Labcorp Genetics (formerly Invitae), Labcorp
Classification: Likely benign for Short-rib thoracic dysplasia 11 with or without polydactyly. Last evaluated: 2025-11-17. Review status: criteria provided, single submitter. Criteria: Invitae Variant Classification Sherloc (09022015). Collection method: clinical testing. Allele origin: germline.

GeneDx
Classification: Uncertain significance. Last evaluated: 2021-09-01. Review status: criteria provided, single submitter. Criteria: GeneDx Variant Classification Process June 2021. Collection method: clinical testing. Allele origin: germline. Affected: yes.
Comment: Has not been previously published as pathogenic or benign to our knowledge; In silico analysis, which includes protein predictors and evolutionary conservation, supports that this variant does not alter protein structure/function

NM_052844.4(DYNC2I2):c.106_107delinsTT (p.Gly36Leu)

Gene: DYNC2I2 (dynein 2 intermediate chain 2; minus strand). Cytogenetic location: 9q34.11.
Variant type: Indel.
Coding change: c.106_107delinsTT on transcript NM_052844.4 (MANE Select); coding-DNA positions 106 to 107, GG replaced by TT.
Protein change: p.Gly36Leu; replaces glycine 36 with leucine.
Molecular consequence: missense variant.
Genome position (GRCh38, 1-based): chr9:128,656,620-128,656,621, CC replaced by AA on the plus strand (GG replaced by TT on the coding strand, the reverse complement: DYNC2I2 is on the minus strand). VCF-style: chr9-128656620-CC-AA. GRCh37 (hg19) VCF-style: chr9-131418899-CC-AA.
Other names: short protein forms G36L.
Identifiers: ClinVar variation 1147877 (VCV001147877.11), dbSNP rs2132190369, ClinGen allele CA2499219667.